The following is an entry in ClinVar:

ClinVar aggregate classification (germline): Uncertain significance. Review status: criteria provided, multiple submitters, no conflicts (2 of 4 stars). 2 submissions from 2 submitters: Uncertain significance (2). Last evaluated 2022-04-01.

Conditions:
Cardiovascular phenotype. Identifiers: MedGen CN230736.
Long QT syndrome (LQTS). Identifiers: MedGen C0023976, MeSH D008133, MONDO:0002442. Disease mechanism: loss of function. Inheritance: Various modes of inheritance.

gnomAD v4.1: 1 of 1,612,734 alleles (0.000062%); highest among the groups gnomAD compares: Non-Finnish European, 0.000085%; no homozygotes.

Submissions (2):

Ambry Genetics
Classification: Uncertain significance for Cardiovascular phenotype. Last evaluated: 2022-04-01. Review status: criteria provided, single submitter. Criteria: Ambry Variant Classification Scheme 2023. Collection method: clinical testing. Allele origin: germline.
Comment: The p.V1990F variant (also known as c.5968G>T), located in coding exon 24 of the AKAP9 gene, results from a G to T substitution at nucleotide position 5968. The valine at codon 1990 is replaced by phenylalanine, an amino acid with highly similar properties. This amino acid position is conserved. In addition, this alteration is predicted to be tolerated by in silico analysis. Since supporting evidence is limited at this time, the clinical significance of this alteration remains unclear.

Labcorp Genetics (formerly Invitae), Labcorp
Classification: Uncertain significance for Long QT syndrome. Last evaluated: 2021-08-05. Review status: criteria provided, single submitter. Criteria: Invitae Variant Classification Sherloc (09022015). Collection method: clinical testing. Allele origin: germline.
Comment: This sequence change replaces valine with phenylalanine at codon 1990 of the AKAP9 protein (p.Val1990Phe). The valine residue is moderately conserved and there is a small physicochemical difference between valine and phenylalanine. This variant is not present in population databases (ExAC no frequency). This variant has not been reported in the literature in individuals with AKAP9-related conditions. Algorithms developed to predict the effect of missense changes on protein structure and function are either unavailable or do not agree on the potential impact of this missense change (SIFT: "Tolerated"; PolyPhen-2: "Possibly Damaging"; Align-GVGD: "Class C0"). In summary, the available evidence is currently insufficient to determine the role of this variant in disease. Therefore, it has been classified as a Variant of Uncertain Significance.

NM_005751.5(AKAP9):c.5968G>T (p.Val1990Phe)

Gene: AKAP9 (A-kinase anchoring protein 9; plus strand). Cytogenetic location: 7q21.2.
Variant type: single nucleotide variant.
Coding change: c.5968G>T on transcript NM_005751.5 (MANE Select); coding-DNA position 5968, G replaced by T.
Protein change: p.Val1990Phe; replaces valine 1990 with phenylalanine.
Molecular consequence: missense variant.
Genome position (GRCh38, 1-based): chr7:92,062,477, G>T. VCF-style: chr7-92062477-G-T. GRCh37 (hg19) VCF-style: chr7-91691791-G-T.
Other names: c.613G>T, p.Val205Phe (NM_001379277.1); c.5968G>T, p.Val1990Phe (NM_147185.3); short protein forms V205F, V1990F.
Identifiers: ClinVar variation 1036493 (VCV001036493.10), dbSNP rs767058162, ClinGen allele CA368132270.